The following is an entry in ClinVar:

ClinVar aggregate classification (germline): Uncertain significance (1 of 4 stars; one submission).

Allele frequency attached by ClinVar (database versions not stated): gnomAD exomes below 0.00001.
gnomAD v4.1: 2 of 1,613,502 alleles (0.00012%); highest among the groups gnomAD compares: Non-Finnish European, 0.00017%; no homozygotes.

Submission:

Labcorp Genetics (formerly Invitae), Labcorp
Classification: Uncertain significance. Last evaluated: 2020-12-16. Review status: criteria provided, single submitter. Criteria: Invitae Variant Classification Sherloc (09022015). Collection method: clinical testing. Allele origin: germline.
Comment: This variant is not present in population databases (ExAC no frequency). In summary, the available evidence is currently insufficient to determine the role of this variant in disease. Therefore, it has been classified as a Variant of Uncertain Significance. Advanced modeling of protein sequence and biophysical properties (such as structural, functional, and spatial information, amino acid conservation, physicochemical variation, residue mobility, and thermodynamic stability) performed at Invitae indicates that this missense variant is not expected to disrupt FAT4 protein function. This variant has not been reported in the literature in individuals with FAT4-related conditions. This sequence change replaces valine with methionine at codon 902 of the FAT4 protein (p.Val902Met). The valine residue is highly conserved and there is a small physicochemical difference between valine and methionine.

NM_001291303.3(FAT4):c.2704G>A (p.Val902Met)

Gene: FAT4 (FAT atypical cadherin 4; plus strand). Cytogenetic location: 4q28.1.
Variant type: single nucleotide variant.
Coding change: c.2704G>A on transcript NM_001291303.3 (MANE Select); coding-DNA position 2704, G replaced by A.
Protein change: p.Val902Met; replaces valine 902 with methionine.
Molecular consequence: missense variant.
Genome position (GRCh38, 1-based): chr4:125,319,115, G>A. VCF-style: chr4-125319115-G-A. GRCh37 (hg19) VCF-style: chr4-126240270-G-A.
Other names: c.2704G>A, p.Val902Met (NM_001291285.3, NM_024582.6); short protein forms V902M.
Identifiers: ClinVar variation 1472047 (VCV001472047.8), dbSNP rs2125942165, ClinGen allele CA358120912.